The following is an entry in ClinVar:

ClinVar aggregate classification (germline): Pathogenic (1 of 4 stars; one submission).

Conditions:
Histiocytic medullary reticulosis. Also called: SEVERE COMBINED IMMUNODEFICIENCY WITH HYPEREOSINOPHILIA; Omenn syndrome. Identifiers: Orphanet 39041, MedGen C2700553, MONDO:0011338, OMIM 603554.

Submission:

Natera, Inc.
Classification: Pathogenic for Omenn syndrome. Last evaluated: 2025-05-23. Review status: criteria provided, single submitter. Criteria: Natera Variant Classification Schema (03/2026). Collection method: clinical testing. Allele origin: germline.
Comment: The c.1438G>T variant in RAG2 is a nonsense variant predicted to introduce a stop codon at amino acid 480. This variant is expected to result in nonsense mediated decay, truncation, or a dysfunctional protein product. This variant is rare in the general population with a frequency below the threshold expected for the associated phenotype(s). This variant has been observed in one or more individuals affected with the associated recessive disease, as either homozygous or compound heterozygous with a second variant (PMID: 21624848, 31838659). Functional studies show that this variant may disrupt protein function (PMID: 29772310). Given the available evidence, this variant is classified as Pathogenic.

Literature cited by the submitters: PubMed 21624848; PubMed 31838659; PubMed 29772310.

NM_000536.4(RAG2):c.1438G>T (p.Glu480Ter)

Gene: RAG2 (recombination activating 2; minus strand). Cytogenetic location: 11p12.
Variant type: single nucleotide variant.
Coding change: c.1438G>T on transcript NM_000536.4 (MANE Select); coding-DNA position 1438, G replaced by T.
Protein change: p.Glu480Ter; replaces glutamic acid 480 with a stop codon.
Molecular consequence: nonsense.
Genome position (GRCh38, 1-based): chr11:36,592,731, C>A on the plus strand (G>T on the coding strand, the complement: RAG2 is on the minus strand). VCF-style: chr11-36592731-C-A. GRCh37 (hg19) VCF-style: chr11-36614281-C-A.
Other names: c.1438G>T, p.Glu480Ter (NM_001243785.2, NM_001243786.2); short protein forms E480*.
Identifiers: ClinVar variation 4814338 (VCV004814338.1).
Genomic context (GRCh38, chr11:36,592,731, plus strand): 5'-GCTTTTTTAAGGGTAGGACTCTTTGGGGAGTGTGTAGAGCTCTTGCTATCTCCACATGCT[C>A]ATTGCAGTAATACTTGTTGCTTCCTGCTGACAGATGGATGAGTGTGCGTTCTGCCAGATC-3'